The following is an entry in ClinVar:

NM_017668.3(NDE1):c.837C>T (p.Tyr279=)

Gene: NDE1 (nudE neurodevelopment protein 1; plus strand). Cytogenetic location: 16p13.11.
Variant type: single nucleotide variant.
Coding change: c.837C>T on transcript NM_017668.3 (MANE Select); coding-DNA position 837, C replaced by T.
Protein change: p.Tyr279=; no amino-acid change (tyrosine 279 retained).
Molecular consequence: synonymous variant.
Genome position (GRCh38, 1-based): chr16:15,696,750, C>T. VCF-style: chr16-15696750-C-T. GRCh37 (hg19) VCF-style: chr16-15790607-C-T.
Other names: p.Y279Y:TAC>TAT; c.837C>T, p.Tyr279= (NM_001143979.2).
Identifiers: ClinVar variation 138431 (VCV000138431.17), dbSNP rs17283846, ClinGen allele CA172623.
Genomic context (GRCh38, chr16:15,696,750, plus strand): 5'-AAAGTGTATTTCTGTCCAGGCACTGGAGTCCAAACTCGCTTCCTGCCGGAACCTCGTGTA[C>T]GATCAGTCCCCAAACCGAACAGGTGGCCCAGCCTCTGGGCGGAGCAGCAAGAACAGAGAT-3'
Protein context (NP_060138.1, residues 269-289): SKLASCRNLV[Tyr279=]DQSPNRTGGP

ClinVar aggregate classification (germline): Benign. Review status: criteria provided, multiple submitters, no conflicts (2 of 4 stars). 5 submissions from 5 submitters: Benign (5). Last evaluated 2026-01-26.

Conditions:
Lissencephaly 4 (LIS4). Also called: Lissencephaly 4 (with microcephaly). Identifiers: Orphanet 1083, MedGen C3151461, MONDO:0013527, OMIM 614019.

Allele frequency attached by ClinVar (database versions not stated): TOPMed 0.02568; gnomAD exomes 0.02854 and 0.03630; 1000 Genomes Project 30x 0.01343; ExAC 0.02929; gnomAD 0.02670 and 0.02753; 1000 Genomes Project 0.01338; ESP Exome Variant Server 0.03094.
gnomAD v4.1: 56,936 of 1,614,186 alleles (3.5%); highest among the groups gnomAD compares: Non-Finnish European, 4.1%; 1,129 homozygotes.

Submissions (5):

Labcorp Genetics (formerly Invitae), Labcorp
Classification: Benign. Last evaluated: 2026-01-26. Review status: criteria provided, single submitter. Criteria: Invitae Variant Classification Sherloc (09022015). Collection method: clinical testing. Allele origin: germline.

Illumina Laboratory Services, Illumina
Classification: Benign for Lissencephaly 4. Last evaluated: 2018-01-12. Review status: criteria provided, single submitter. Criteria: ICSL Variant Classification Criteria 13 December 2019. Collection method: clinical testing. Allele origin: germline.
Comment: This variant was observed in the ICSL laboratory as part of a predisposition screen in an ostensibly healthy population. It had not been previously curated by ICSL or reported in the Human Gene Mutation Database (HGMD: prior to June 1st, 2018), and was therefore a candidate for classification through an automated scoring system. Utilizing variant allele frequency, disease prevalence and penetrance estimates, and inheritance mode, an automated score was calculated to assess if this variant is too frequent to cause the disease. Based on the score and internal cut-off values, a variant classified as benign is not then subjected to further curation. The score for this variant resulted in a classification of benign for this disease.

GeneDx
Classification: Benign. Last evaluated: 2013-12-21. Review status: criteria provided, single submitter. Criteria: GeneDx Variant Classification (06012015). Collection method: clinical testing. Allele origin: germline. Affected: yes.
Comment: This variant is considered likely benign or benign based on one or more of the following criteria: it is a conservative change, it occurs at a poorly conserved position in the protein, it is predicted to be benign by multiple in silico algorithms, and/or has population frequency not consistent with disease.

Genetic Services Laboratory, University of Chicago
Classification: Benign. Last evaluated: 2013-02-08. Review status: criteria provided, single submitter. Criteria: ACMG Guidelines, 2007. Collection method: clinical testing. Allele origin: germline. Inheritance: Autosomal recessive inheritance.

Breakthrough Genomics
Classification: Benign. Review status: criteria provided, single submitter. Criteria: ACMG Guidelines, 2015. Collection method: not provided. Allele origin: germline. Inheritance: Autosomal recessive inheritance. Affected: yes.